The following is an entry in ClinVar:

ClinVar aggregate classification (germline): Uncertain significance. Review status: criteria provided, multiple submitters, no conflicts (2 of 4 stars). 2 submissions from 2 submitters: Uncertain significance (2). Last evaluated 2024-02-05.

Conditions:
Alstrom syndrome (ALMS). Identifiers: Orphanet 64, MedGen C0268425, MONDO:0008763, OMIM 203800.

Allele frequency attached by ClinVar (database versions not stated): ExAC 0.00001; gnomAD 0.00002; TOPMed 0.00002.
gnomAD v4.1: 3 of 1,613,768 alleles (0.00019%); highest among the groups gnomAD compares: African/African-American, 0.004%; no homozygotes.

Submissions (2):

Labcorp Genetics (formerly Invitae), Labcorp
Classification: Uncertain significance for Alstrom syndrome. Last evaluated: 2024-02-05. Review status: criteria provided, single submitter. Criteria: Invitae Variant Classification Sherloc (09022015). Collection method: clinical testing. Allele origin: germline.
Comment: This sequence change replaces histidine, which is basic and polar, with asparagine, which is neutral and polar, at codon 670 of the ALMS1 protein (p.His670Asn). This variant is present in population databases (rs765216026, gnomAD 0.008%). This variant has not been reported in the literature in individuals affected with ALMS1-related conditions. ClinVar contains an entry for this variant (Variation ID: 1932952). Experimental studies and prediction algorithms are not available or were not evaluated, and the functional significance of this variant is currently unknown. In summary, the available evidence is currently insufficient to determine the role of this variant in disease. Therefore, it has been classified as a Variant of Uncertain Significance.

GeneDx
Classification: Uncertain significance. Last evaluated: 2023-02-03. Review status: criteria provided, single submitter. Criteria: GeneDx Variant Classification Process June 2021. Collection method: clinical testing. Allele origin: germline. Affected: yes.
Comment: Not observed at significant frequency in large population cohorts (gnomAD); In silico analysis supports that this missense variant does not alter protein structure/function; Has not been previously published as pathogenic or benign to our knowledge

NM_001378454.1(ALMS1):c.2005C>A (p.His669Asn)

Gene: ALMS1 (ALMS1 centrosome and basal body associated protein; plus strand). Cytogenetic location: 2p13.1.
Variant type: single nucleotide variant.
Coding change: c.2005C>A on transcript NM_001378454.1 (MANE Select); coding-DNA position 2005, C replaced by A.
Protein change: p.His669Asn; replaces histidine 669 with asparagine.
Molecular consequence: missense variant.
Genome position (GRCh38, 1-based): chr2:73,448,532, C>A. VCF-style: chr2-73448532-C-A. GRCh37 (hg19) VCF-style: chr2-73675659-C-A.
Other names: c.2008C>A, p.His670Asn (NM_015120.4); short protein forms H670N, H669N.
Identifiers: ClinVar variation 1932952 (VCV001932952.6), dbSNP rs765216026, ClinGen allele CA1713255.